The following is an entry in ClinVar:

NM_001128840.3(CACNA1D):c.5496C>T (p.Gly1832=)

Gene: CACNA1D (calcium voltage-gated channel subunit alpha1 D; plus strand). Cytogenetic location: 3p21.1.
Variant type: single nucleotide variant.
Coding change: c.5496C>T on transcript NM_001128840.3 (MANE Select); coding-DNA position 5496, C replaced by T.
Protein change: p.Gly1832=; no amino-acid change (glycine 1832 retained).
Molecular consequence: synonymous variant.
Genome position (GRCh38, 1-based): chr3:53,803,483, C>T. VCF-style: chr3-53803483-C-T. GRCh37 (hg19) VCF-style: chr3-53837510-C-T.
Other names: c.5556C>T, p.Gly1852= (NM_000720.4); c.5424C>T, p.Gly1808= (NM_001128839.3).
Identifiers: ClinVar variation 227202 (VCV000227202.41), dbSNP rs149746093, ClinGen allele CA2455162.

ClinVar aggregate classification (germline): Likely benign. Review status: criteria provided, multiple submitters, no conflicts (2 of 4 stars). 9 submissions from 9 submitters: Likely benign (5). 4 of the submissions do not count toward it. Last evaluated 2026-01-26.

Conditions:
CACNA1D-related disorder.

Allele frequency attached by ClinVar (database versions not stated): 1000 Genomes Project 0.00020; 1000 Genomes Project 30x 0.00031; ExAC 0.00088; TOPMed 0.00089; gnomAD exomes 0.00092; gnomAD 0.00094 and 0.00095; ESP Exome Variant Server 0.00100.
gnomAD v4.1: 3,190 of 1,613,954 alleles (0.2%); highest among the groups gnomAD compares: Non-Finnish European, 0.26%; 3 homozygotes.

Submissions (9):

Labcorp Genetics (formerly Invitae), Labcorp
Classification: Likely benign. Last evaluated: 2026-01-26. Review status: criteria provided, single submitter. Criteria: Invitae Variant Classification Sherloc (09022015). Collection method: clinical testing. Allele origin: germline.

CeGaT Center for Human Genetics Tuebingen
Classification: Likely benign. Last evaluated: 2025-03-01. Review status: criteria provided, single submitter. Criteria: CeGaT Center For Human Genetics Tuebingen Variant Classification Criteria Version 2. Collection method: clinical testing. Allele origin: germline. Affected: yes. Observed: 4 variant alleles.
Comment: CACNA1D: BP4, BP7

Blueprint Genetics
Classification: Likely benign. Last evaluated: 2024-10-15. Review status: criteria provided, single submitter. Criteria: ACMG Guidelines, 2015. Collection method: clinical testing. Allele origin: germline.

GeneDx
Classification: Likely benign. Last evaluated: 2020-12-15. Review status: criteria provided, single submitter. Criteria: GeneDx Variant Classification Process June 2021. Collection method: clinical testing. Allele origin: germline. Affected: yes.

Laboratory for Molecular Medicine, Mass General Brigham Personalized Medicine
Classification: Likely benign. Last evaluated: 2015-07-08. Review status: criteria provided, single submitter. Criteria: LMM Criteria. Collection method: clinical testing. Allele origin: germline. Observed: 2 variant alleles.
Comment: p.Gly1852Gly in exon 45 of CACNA1D: This variant is not expected to have clinica l significance because it does not alter an amino acid residue and is not locate d within the splice consensus sequence. It has been identified in 0.2% (101/6672 2) of European chromosomes by the Exome Aggregation Consortium (ExAC; dbSNP rs149746093).

PreventionGenetics, part of Exact Sciences
Classification: Likely benign for CACNA1D-related condition. Last evaluated: 2019-09-04. Review status: no assertion criteria provided. Collection method: clinical testing. Allele origin: germline. Not counted in ClinVar's aggregate classification.
Comment: This variant is classified as likely benign based on ACMG/AMP sequence variant interpretation guidelines (Richards et al. 2015 PMID: 25741868, with internal and published modifications).

Clinical Genetics DNA and cytogenetics Diagnostics Lab, Erasmus MC, Erasmus Medical Center
Classification: Likely benign. Review status: no assertion criteria provided. Collection method: clinical testing. Allele origin: germline. Affected: yes. Study: VKGL Data-share Consensus. Not counted in ClinVar's aggregate classification.

Clinical Genetics, Academic Medical Center
Classification: Benign. Review status: no assertion criteria provided. Collection method: clinical testing. Allele origin: germline. Affected: yes. Study: VKGL Data-share Consensus. Not counted in ClinVar's aggregate classification.

Genome Diagnostics Laboratory, University Medical Center Utrecht
Classification: Likely benign. Review status: no assertion criteria provided. Collection method: clinical testing. Allele origin: germline. Affected: yes. Study: VKGL Data-share Consensus. Not counted in ClinVar's aggregate classification.